The following is an entry in ClinVar:

ClinVar aggregate classification (germline): Uncertain significance. Review status: criteria provided, multiple submitters, no conflicts (2 of 4 stars). 2 submissions from 2 submitters: Uncertain significance (2). Last evaluated 2023-11-19.

Conditions:
Inborn genetic diseases. Identifiers: MedGen C0950123, MeSH D030342.

Allele frequency attached by ClinVar (database versions not stated): gnomAD exomes 0.00001; TOPMed 0.00002.

Submissions (2):

Labcorp Genetics (formerly Invitae), Labcorp
Classification: Uncertain significance. Last evaluated: 2023-11-19. Review status: criteria provided, single submitter. Criteria: Invitae Variant Classification Sherloc (09022015). Collection method: clinical testing. Allele origin: germline.
Comment: This sequence change replaces alanine, which is neutral and non-polar, with valine, which is neutral and non-polar, at codon 133 of the STAMBP protein (p.Ala133Val). This variant is present in population databases (no rsID available, gnomAD 0.007%). This variant has not been reported in the literature in individuals affected with STAMBP-related conditions. Advanced modeling of protein sequence and biophysical properties (such as structural, functional, and spatial information, amino acid conservation, physicochemical variation, residue mobility, and thermodynamic stability) performed at Invitae indicates that this missense variant is not expected to disrupt STAMBP protein function with a negative predictive value of 80%. In summary, the available evidence is currently insufficient to determine the role of this variant in disease. Therefore, it has been classified as a Variant of Uncertain Significance.

Ambry Genetics
Classification: Uncertain significance for Inborn genetic diseases. Last evaluated: 2023-09-20. Review status: criteria provided, single submitter. Criteria: Ambry Variant Classification Scheme 2023. Collection method: clinical testing. Allele origin: germline.

NM_213622.4(STAMBP):c.398C>T (p.Ala133Val)

Gene: STAMBP (STAM binding protein; plus strand). Cytogenetic location: 2p13.1.
Variant type: single nucleotide variant.
Coding change: c.398C>T on transcript NM_213622.4 (MANE Select); coding-DNA position 398, C replaced by T.
Protein change: p.Ala133Val; replaces alanine 133 with valine.
Molecular consequence: missense variant. On other transcripts: non-coding transcript variant (4), 5 prime UTR variant (6).
Genome position (GRCh38, 1-based): chr2:73,847,409, C>T. VCF-style: chr2-73847409-C-T. GRCh37 (hg19) VCF-style: chr2-74074536-C-T.
Other names: c.398C>T (NM_213622.2); c.398C>T, p.Ala133Val (NM_001353967.2, NM_001353968.2, NM_001353969.2 and 3 more transcripts); c.-8C>T (NM_001353971.2, NM_001353972.2, NM_001353973.2 and 3 more transcripts); short protein forms A133V.
Identifiers: ClinVar variation 2868747 (VCV002868747.4), dbSNP rs1379431694, ClinGen allele CA347305415.